The following is an entry in ClinVar:

ClinVar aggregate classification (germline): Benign (1 of 4 stars; one submission).

Conditions:
Osteogenesis imperfecta type 9 (OI9). Also called: Oi type IX; OI 9; Osteogenesis imperfecta sillence type II/III without abnormality of type I collagen. Identifiers: MedGen C1850169, MONDO:0009805, OMIM 259440.

Allele frequency attached by ClinVar (database versions not stated): gnomAD exomes 0.00121 and 0.00311; ExAC 0.00377; gnomAD 0.01204 and 0.01302; 1000 Genomes Project 0.01258; TOPMed 0.01269; 1000 Genomes Project 30x 0.01437; ESP Exome Variant Server 0.01630.
gnomAD v4.1: 3,681 of 1,614,102 alleles (0.23%); highest among the groups gnomAD compares: African/African-American, 4.2%; 69 homozygotes.

Submission:

Illumina Laboratory Services, Illumina
Classification: Benign for Osteogenesis imperfecta type 9. Last evaluated: 2018-01-13. Review status: criteria provided, single submitter. Criteria: ICSL Variant Classification Criteria 13 December 2019. Collection method: clinical testing. Allele origin: germline.
Comment: This variant was observed in the ICSL laboratory as part of a predisposition screen in an ostensibly healthy population. It had not been previously curated by ICSL or reported in the Human Gene Mutation Database (HGMD: prior to June 1st, 2018), and was therefore a candidate for classification through an automated scoring system. Utilizing variant allele frequency, disease prevalence and penetrance estimates, and inheritance mode, an automated score was calculated to assess if this variant is too frequent to cause the disease. Based on the score and internal cut-off values, a variant classified as benign is not then subjected to further curation. The score for this variant resulted in a classification of benign for this disease.

NM_000942.5(PPIB):c.*21T>A

Genes: SNX22 (sorting nexin 22; plus strand), PPIB (peptidylprolyl isomerase B; minus strand). Cytogenetic location: 15q22.31.
Variant type: single nucleotide variant.
Coding change: c.*21T>A on transcript NM_000942.5 (MANE Select); 21 bases downstream of the stop codon, T replaced by A.
Molecular consequence: 3 prime UTR variant. On other transcripts: non-coding transcript variant (1).
Genome position (GRCh38, 1-based): chr15:64,156,002, A>T on the plus strand (T>A on the coding strand, the complement: PPIB is on the minus strand). VCF-style: chr15-64156002-A-T. GRCh37 (hg19) VCF-style: chr15-64448201-A-T.
Other names: c.*1494A>T (NM_024798.3).
Identifiers: ClinVar variation 886214 (VCV000886214.4), dbSNP rs2307248, ClinGen allele CA7608416.